The following is an entry in ClinVar:

NM_002474.3(MYH11):c.4382A>G (p.Lys1461Arg)

Genes: MYH11 (myosin heavy chain 11; minus strand), NDE1 (nudE neurodevelopment protein 1; plus strand). Cytogenetic location: 16p13.11.
Variant type: single nucleotide variant.
Coding change: c.4382A>G on transcript NM_002474.3 (MANE Select); coding-DNA position 4382, A replaced by G.
Protein change: p.Lys1461Arg; replaces lysine 1461 with arginine.
Molecular consequence: missense variant. On other transcripts: intron variant (2).
Genome position (GRCh38, 1-based): chr16:15,721,618, T>C on the plus strand (A>G on the coding strand, the complement: MYH11 is on the minus strand). VCF-style: chr16-15721618-T-C. GRCh37 (hg19) VCF-style: chr16-15815475-T-C.
Other names: c.4403A>G, p.Lys1468Arg (NM_001040113.2, NM_001040114.2); c.4382A>G, p.Lys1461Arg (NM_022844.3); c.948-2573T>C (NM_001143979.2, NM_017668.3); short protein forms K1468R, K1461R.
Identifiers: ClinVar variation 5025057 (VCV005025057.1).

ClinVar aggregate classification (germline): Uncertain significance (1 of 4 stars; one submission).

Conditions:
Familial thoracic aortic aneurysm and aortic dissection (TAAD). Also called: Thoracic aortic aneurysms and dissections. Identifiers: Orphanet 91387, MedGen C4707243, MONDO:0019625.

gnomAD v4.1: 1 of 1,614,204 alleles (0.000062%); highest among the groups gnomAD compares: Non-Finnish European, 0.000085%; no homozygotes.

Submission:

Ambry Genetics
Classification: Uncertain significance for Familial thoracic aortic aneurysm and aortic dissection. Last evaluated: 2026-07-01. Review status: criteria provided, single submitter. Criteria: Ambry Variant Classification Scheme 2023. Collection method: clinical testing. Allele origin: germline.
Comment: The p.K1461R variant (also known as c.4382A>G), located in coding exon 31 of the MYH11 gene, results from an A to G substitution at nucleotide position 4382. The lysine at codon 1461 is replaced by arginine, an amino acid with highly similar properties. This amino acid position is conserved. In addition, the in silico prediction for this alteration is inconclusive. Based on the available evidence, the clinical significance of this variant remains unclear.